The following is an entry in ClinVar:

NM_001290043.2(TAP2):c.1982A>G (p.His661Arg)

Gene: TAP2 (transporter 2, ATP binding cassette subfamily B member; minus strand). Cytogenetic location: 6p21.32.
Variant type: single nucleotide variant.
Coding change: c.1982A>G on transcript NM_001290043.2 (MANE Select); coding-DNA position 1982, A replaced by G.
Protein change: p.His661Arg; replaces histidine 661 with arginine.
Molecular consequence: missense variant. On other transcripts: intron variant (1).
Genome position (GRCh38, 1-based): chr6:32,828,985, T>C on the plus strand (A>G on the coding strand, the complement: TAP2 is on the minus strand). VCF-style: chr6-32828985-T-C. GRCh37 (hg19) VCF-style: chr6-32796762-T-C.
Other names: c.1982A>G, p.His661Arg (NM_000544.3); c.1932+415A>G (NM_018833.3); short protein forms H661R.
Identifiers: ClinVar variation 1464005 (VCV001464005.8), dbSNP rs2127351924, ClinGen allele CA363578558.
Genomic context (GRCh38, chr6:32,828,985, plus strand): 5'-TGCAGCTTGCCCTCCTGGAGCACCAGGATCTGGTGGGCGCGCTGAACTGTCTGCAGCCTG[T>C]GAGCAATCACCAGCACTGTGCGATCCCCACGGGAATTCCAGTCCTGCAGCTGAAGGGGTG-3'
Protein context (NP_001276972.1, residues 651-671): RGDRTVLVIA[His661Arg]RLQTVQRAHQ

ClinVar aggregate classification (germline): Uncertain significance (1 of 4 stars; one submission).

Conditions:
MHC class I deficiency. Identifiers: Orphanet 34592, MedGen C6024714, MONDO:0011476.

Submission:

Labcorp Genetics (formerly Invitae), Labcorp
Classification: Uncertain significance for MHC class I deficiency 1. Last evaluated: 2022-02-05. Review status: criteria provided, single submitter. Criteria: Invitae Variant Classification Sherloc (09022015). Collection method: clinical testing. Allele origin: germline.
Comment: In summary, the available evidence is currently insufficient to determine the role of this variant in disease. Therefore, it has been classified as a Variant of Uncertain Significance. Algorithms developed to predict the effect of missense changes on protein structure and function are either unavailable or do not agree on the potential impact of this missense change (SIFT: "Deleterious"; PolyPhen-2: "Not Available"; Align-GVGD: "Class C0"). This variant has not been reported in the literature in individuals affected with TAP2-related conditions. This variant is not present in population databases (gnomAD no frequency). This sequence change replaces histidine, which is basic and polar, with arginine, which is basic and polar, at codon 661 of the TAP2 protein (p.His661Arg).